The following is an entry in ClinVar:

NM_002637.4(PHKA1):c.3349C>T (p.Arg1117Cys)

Gene: PHKA1 (phosphorylase kinase regulatory subunit alpha 1; minus strand). Cytogenetic location: Xq13.1.
Variant type: single nucleotide variant.
Coding change: c.3349C>T on transcript NM_002637.4 (MANE Select); coding-DNA position 3349, C replaced by T.
Protein change: p.Arg1117Cys; replaces arginine 1117 with cysteine.
Molecular consequence: missense variant.
Genome position (GRCh38, 1-based): chrX:72,582,547, G>A on the plus strand (C>T on the coding strand, the complement: PHKA1 is on the minus strand). VCF-style: chrX-72582547-G-A. GRCh37 (hg19) VCF-style: chrX-71802397-G-A.
Other names: c.3310C>T, p.Arg1104Cys (NM_001122670.2, NM_001440787.1); c.3133C>T, p.Arg1045Cys (NM_001172436.2, NM_001440788.1); c.3400C>T, p.Arg1134Cys (NM_001431068.1); short protein forms R1104C, R1134C, R1045C, R1117C.
Identifiers: ClinVar variation 4690710 (VCV004690710.1).

ClinVar aggregate classification (germline): Uncertain significance (1 of 4 stars; one submission).

Conditions:
Glycogen storage disease IXd (GSD9D). Also called: Muscle Phosphorylase Kinase Deficiency; GSD IXd. Identifiers: Orphanet 715, MedGen C1845151, MONDO:0010362, OMIM 300559.

gnomAD v4.1: 16 of 1,204,675 alleles (0.0013%); highest among the groups gnomAD compares: South Asian, 0.0018%; no homozygotes.

Submission:

Labcorp Genetics (formerly Invitae), Labcorp
Classification: Uncertain significance for Glycogen storage disease IXd. Last evaluated: 2026-02-02. Review status: criteria provided, single submitter. Criteria: Invitae Variant Classification Sherloc (09022015). Collection method: clinical testing. Allele origin: germline.
Comment: This sequence change replaces arginine, which is basic and polar, with cysteine, which is neutral and slightly polar, at codon 1117 of the PHKA1 protein (p.Arg1117Cys). This variant is present in population databases (rs782021614, gnomAD 0.006%). This variant has not been reported in the literature in individuals affected with PHKA1-related conditions. An algorithm developed to predict the effect of missense changes on protein structure and function (PolyPhen-2) suggests that this variant is likely to be tolerated. In summary, the available evidence is currently insufficient to determine the role of this variant in disease. Therefore, it has been classified as a Variant of Uncertain Significance.